The following is an entry in ClinVar:

ClinVar aggregate classification (germline): Conflicting classifications of pathogenicity. Review status: criteria provided, conflicting classifications (1 of 4 stars). 2 submissions from 2 submitters: Uncertain significance (1); Benign (1). Last evaluated 2025-03-22.

Conditions:
Isolated focal non-epidermolytic palmoplantar keratoderma. Also called: Palmoplantar keratoderma, nonepidermolytic, focal 2. Identifiers: Orphanet 448264, MedGen C4225339, MONDO:0014622, OMIM 616400.
Inborn genetic diseases. Identifiers: MedGen C0950123, MeSH D030342.

Allele frequency attached by ClinVar (database versions not stated): TOPMed 0.00002; gnomAD 0.00003; gnomAD exomes 0.00004 and 0.00008; ExAC 0.00006.
gnomAD v4.1: 26 of 1,614,130 alleles (0.0016%); highest among the groups gnomAD compares: Admixed American, 0.043%; no homozygotes.

Submissions (2):

Ambry Genetics
Classification: Uncertain significance for Inborn genetic diseases. Last evaluated: 2025-03-22. Review status: criteria provided, single submitter. Criteria: Ambry Variant Classification Scheme 2023. Collection method: clinical testing. Allele origin: germline.

Illumina Laboratory Services, Illumina
Classification: Benign for Isolated focal non-epidermolytic palmoplantar keratoderma. Last evaluated: 2018-01-13. Review status: criteria provided, single submitter. Criteria: ICSL Variant Classification Criteria 13 December 2019. Collection method: clinical testing. Allele origin: germline.
Comment: This variant was observed in the ICSL laboratory as part of a predisposition screen in an ostensibly healthy population. It had not been previously curated by ICSL or reported in the Human Gene Mutation Database (HGMD: prior to June 1st, 2018), and was therefore a candidate for classification through an automated scoring system. Utilizing variant allele frequency, disease prevalence and penetrance estimates, and inheritance mode, an automated score was calculated to assess if this variant is too frequent to cause the disease. Based on the score and internal cut-off values, a variant classified as benign is not then subjected to further curation. The score for this variant resulted in a classification of benign for this disease.

NM_145068.4(TRPV3):c.1622T>C (p.Leu541Ser)

Gene: TRPV3 (transient receptor potential cation channel subfamily V member 3; minus strand). Cytogenetic location: 17p13.2.
Variant type: single nucleotide variant.
Coding change: c.1622T>C on transcript NM_145068.4 (MANE Select); coding-DNA position 1622, T replaced by C.
Protein change: p.Leu541Ser; replaces leucine 541 with serine.
Molecular consequence: missense variant.
Genome position (GRCh38, 1-based): chr17:3,524,319, A>G on the plus strand (T>C on the coding strand, the complement: TRPV3 is on the minus strand). VCF-style: chr17-3524319-A-G. GRCh37 (hg19) VCF-style: chr17-3427613-A-G.
Other names: c.1622T>C, p.Leu541Ser (NM_001258205.2); c.1622T>C (NM_145068.2); short protein forms L541S.
Identifiers: ClinVar variation 322765 (VCV000322765.6), dbSNP rs764913664, ClinGen allele CA8289376.